The following is an entry in ClinVar:

ClinVar aggregate classification (germline): Uncertain significance (1 of 4 stars; one submission).

Conditions:
Spermatogenic failure 18. Identifiers: MedGen C4539783, MONDO:0054615, OMIM 617576.
Ciliary dyskinesia, primary, 37 (CILD37). Also called: CILIARY DYSKINESIA, PRIMARY, 37, WITH OR WITHOUT SITUS INVERSUS. Identifiers: MedGen C4539798, MONDO:0033204, OMIM 617577.

Allele frequency attached by ClinVar (database versions not stated): ExAC 0.00001; gnomAD exomes 0.00001; TOPMed 0.00001.
gnomAD v4.1: 3 of 1,612,582 alleles (0.00019%); highest among the groups gnomAD compares: Admixed American, 0.005%; no homozygotes.

Submission:

Labcorp Genetics (formerly Invitae), Labcorp
Classification: Uncertain significance for Ciliary dyskinesia, primary, 37; Spermatogenic failure 18. Last evaluated: 2022-04-17. Review status: criteria provided, single submitter. Criteria: Invitae Variant Classification Sherloc (09022015). Collection method: clinical testing. Allele origin: germline.
Comment: In summary, the available evidence is currently insufficient to determine the role of this variant in disease. Therefore, it has been classified as a Variant of Uncertain Significance. Algorithms developed to predict the effect of missense changes on protein structure and function are either unavailable or do not agree on the potential impact of this missense change (SIFT: "Tolerated"; PolyPhen-2: "Possibly Damaging"; Align-GVGD: "Class C0"). This variant has not been reported in the literature in individuals affected with DNAH1-related conditions. This variant is present in population databases (rs760188844, gnomAD 0.006%). This sequence change replaces threonine, which is neutral and polar, with serine, which is neutral and polar, at codon 1980 of the DNAH1 protein (p.Thr1980Ser).

NM_015512.5(DNAH1):c.5938A>T (p.Thr1980Ser)

Gene: DNAH1 (dynein axonemal heavy chain 1; plus strand). Cytogenetic location: 3p21.1.
Variant type: single nucleotide variant.
Coding change: c.5938A>T on transcript NM_015512.5 (MANE Select); coding-DNA position 5938, A replaced by T.
Protein change: p.Thr1980Ser; replaces threonine 1980 with serine.
Molecular consequence: missense variant.
Genome position (GRCh38, 1-based): chr3:52,368,913, A>T. VCF-style: chr3-52368913-A-T. GRCh37 (hg19) VCF-style: chr3-52402929-A-T.
Other names: short protein forms T1980S.
Identifiers: ClinVar variation 2415190 (VCV002415190.7), dbSNP rs760188844, ClinGen allele CA2434365.